The following is an entry in ClinVar:

ClinVar aggregate classification (germline): Uncertain significance. Review status: criteria provided, multiple submitters, no conflicts (2 of 4 stars). 2 submissions from 2 submitters: Uncertain significance (2). Last evaluated 2025-12-28.

Conditions:
Hereditary cancer-predisposing syndrome. Also called: Hereditary neoplastic syndrome; Neoplastic Syndromes, Hereditary; Tumor predisposition; Hereditary Cancer Syndrome. Identifiers: Orphanet 140162, MedGen C0027672, MeSH D009386, MONDO:0015356.

Submissions (2):

Ambry Genetics
Classification: Uncertain significance for Hereditary cancer-predisposing syndrome. Last evaluated: 2025-12-28. Review status: criteria provided, single submitter. Criteria: Ambry Variant Classification Scheme 2023. Collection method: clinical testing. Allele origin: germline.
Comment: The p.C100W variant (also known as c.300T>G), located in coding exon 1 of the HOXB13 gene, results from a T to G substitution at nucleotide position 300. The cysteine at codon 100 is replaced by tryptophan, an amino acid with highly dissimilar properties. This amino acid position is conserved. In addition, the in silico prediction for this alteration is inconclusive. Based on the available evidence, the clinical significance of this variant remains unclear.

Labcorp Genetics (formerly Invitae), Labcorp
Classification: Uncertain significance. Last evaluated: 2023-02-26. Review status: criteria provided, single submitter. Criteria: Invitae Variant Classification Sherloc (09022015). Collection method: clinical testing. Allele origin: germline.
Comment: In summary, the available evidence is currently insufficient to determine the role of this variant in disease. Therefore, it has been classified as a Variant of Uncertain Significance. Advanced modeling of protein sequence and biophysical properties (such as structural, functional, and spatial information, amino acid conservation, physicochemical variation, residue mobility, and thermodynamic stability) has been performed at Invitae for this missense variant, however the output from this modeling did not meet the statistical confidence thresholds required to predict the impact of this variant on HOXB13 protein function. ClinVar contains an entry for this variant (Variation ID: 2172997). This variant has not been reported in the literature in individuals affected with HOXB13-related conditions. This variant is not present in population databases (gnomAD no frequency). This sequence change replaces cysteine, which is neutral and slightly polar, with tryptophan, which is neutral and slightly polar, at codon 100 of the HOXB13 protein (p.Cys100Trp).

NM_006361.6(HOXB13):c.300T>G (p.Cys100Trp)

Gene: HOXB13 (homeobox B13; minus strand). Cytogenetic location: 17q21.32.
Variant type: single nucleotide variant.
Coding change: c.300T>G on transcript NM_006361.6 (MANE Select); coding-DNA position 300, T replaced by G.
Protein change: p.Cys100Trp; replaces cysteine 100 with tryptophan.
Molecular consequence: missense variant.
Genome position (GRCh38, 1-based): chr17:48,728,294, A>C on the plus strand (T>G on the coding strand, the complement: HOXB13 is on the minus strand). VCF-style: chr17-48728294-A-C. GRCh37 (hg19) VCF-style: chr17-46805656-A-C.
Other names: short protein forms C100W.
Identifiers: ClinVar variation 2172997 (VCV002172997.5), dbSNP rs2143073048, ClinGen allele CA400107737.
Genomic context (GRCh38, chr17:48,728,294, plus strand): 5'-GTACTCTTCCCCGGCCGTGGGAGTCTCCGCGGGGTACGCGGCCAGGGTGGCTGCCTGGGC[A>C]CAGGGTTTCAGCGAGCTCCGGGACACTCGGCAGGAGTAGTACCCGCCTCCAAAGTAACCA-3'
Protein context (NP_006352.2, residues 90-110): CRVSRSSLKP[Cys100Trp]AQAATLAAYP